The following is an entry in ClinVar:

ClinVar aggregate classification (germline): Uncertain significance (1 of 4 stars; one submission).

Allele frequency attached by ClinVar (database versions not stated): TOPMed below 0.00001; gnomAD exomes below 0.00001.
gnomAD v4.1: 4 of 1,574,560 alleles (0.00025%); highest among the groups gnomAD compares: Non-Finnish European, 0.00035%; no homozygotes.

Submission:

GeneDx
Classification: Uncertain significance. Last evaluated: 2019-10-29. Review status: criteria provided, single submitter. Criteria: GeneDx Variant Classification Process June 2021. Collection method: clinical testing. Allele origin: germline. Affected: yes.
Comment: Not observed at a significant frequency in large population cohorts (Lek et al., 2016); In silico analysis, which includes protein predictors and evolutionary conservation, supports a deleterious effect; Has not been previously published as pathogenic or benign to our knowledge

NM_018249.6(CDK5RAP2):c.4306A>G (p.Ser1436Gly)

Gene: CDK5RAP2 (CDK5 regulatory subunit associated protein 2; minus strand). Cytogenetic location: 9q33.2.
Variant type: single nucleotide variant.
Coding change: c.4306A>G on transcript NM_018249.6 (MANE Select); coding-DNA position 4306, A replaced by G.
Protein change: p.Ser1436Gly; replaces serine 1436 with glycine.
Molecular consequence: missense variant. On other transcripts: non-coding transcript variant (5).
Genome position (GRCh38, 1-based): chr9:120,411,466, T>C on the plus strand (A>G on the coding strand, the complement: CDK5RAP2 is on the minus strand). VCF-style: chr9-120411466-T-C. GRCh37 (hg19) VCF-style: chr9-123173744-T-C.
Other names: c.4306A>G, p.Ser1436Gly (NM_001011649.3); c.3616A>G, p.Ser1206Gly (NM_001272039.2); short protein forms S1206G, S1436G.
Identifiers: ClinVar variation 1309745 (VCV001309745.2), dbSNP rs1316940946, ClinGen allele CA374716776.